The following is an entry in ClinVar:

ClinVar aggregate classification (germline): Uncertain significance (1 of 4 stars; one submission).

Conditions:
Hereditary diffuse gastric adenocarcinoma (HDGC). Also called: DIFFUSE GASTRIC AND LOBULAR BREAST CANCER SYNDROME. Identifiers: Orphanet 26106, MedGen C1708349, MONDO:0007648, OMIM 137215.

Submission:

Labcorp Genetics (formerly Invitae), Labcorp
Classification: Uncertain significance for Hereditary diffuse gastric adenocarcinoma. Last evaluated: 2022-11-18. Review status: criteria provided, single submitter. Criteria: Invitae Variant Classification Sherloc (09022015). Collection method: clinical testing. Allele origin: germline.
Comment: In summary, the available evidence is currently insufficient to determine the role of this variant in disease. Therefore, it has been classified as a Variant of Uncertain Significance. Algorithms developed to predict the effect of missense changes on protein structure and function output the following: SIFT: "Tolerated"; PolyPhen-2: "Benign"; Align-GVGD: "Class C0". The glycine amino acid residue is found in multiple mammalian species, which suggests that this missense change does not adversely affect protein function. This variant has not been reported in the literature in individuals affected with CDH1-related conditions. This variant is not present in population databases (gnomAD no frequency). This sequence change replaces alanine, which is neutral and non-polar, with glycine, which is neutral and non-polar, at codon 703 of the CDH1 protein (p.Ala703Gly).

NM_004360.5(CDH1):c.2108C>G (p.Ala703Gly)

Gene: CDH1 (cadherin 1; plus strand). Cytogenetic location: 16q22.1.
Variant type: single nucleotide variant.
Coding change: c.2108C>G on transcript NM_004360.5 (MANE Select); coding-DNA position 2108, C replaced by G.
Protein change: p.Ala703Gly; replaces alanine 703 with glycine.
Molecular consequence: missense variant.
Genome position (GRCh38, 1-based): chr16:68,823,570, C>G. VCF-style: chr16-68823570-C-G. GRCh37 (hg19) VCF-style: chr16-68857473-C-G.
Other names: c.1925C>G, p.Ala642Gly (NM_001317184.2); c.560C>G, p.Ala187Gly (NM_001317185.2); c.143C>G, p.Ala48Gly (NM_001317186.2); short protein forms A187G, A48G, A642G, A703G.
Identifiers: ClinVar variation 2815152 (VCV002815152.3), dbSNP rs876658987, ClinGen allele CA396467866.